The following is an entry in ClinVar:

ClinVar aggregate classification (germline): Conflicting classifications of pathogenicity. Review status: criteria provided, conflicting classifications (1 of 4 stars). 4 submissions from 4 submitters: Uncertain significance (3); Likely benign (1). Last evaluated 2025-05-05.

Conditions:
Neuroblastoma, susceptibility to, 3. Also called: ALK-Related Neuroblastic Tumor Susceptibility. Identifiers: Orphanet 635, MedGen C2751681, MONDO:0013083, OMIM 613014.
Hereditary cancer-predisposing syndrome. Also called: Hereditary neoplastic syndrome; Neoplastic Syndromes, Hereditary; Hereditary Cancer Syndrome; Tumor predisposition. Identifiers: Orphanet 140162, MedGen C0027672, MeSH D009386, MONDO:0015356.

Allele frequency attached by ClinVar (database versions not stated): gnomAD exomes below 0.00001 and 0.00001; gnomAD 0.00001; TOPMed 0.00002.
gnomAD v4.1: 4 of 1,614,036 alleles (0.00025%); highest among the groups gnomAD compares: Admixed American, 0.0033%; no homozygotes.

Submissions (4):

Ambry Genetics
Classification: Likely benign for Hereditary cancer-predisposing syndrome. Last evaluated: 2025-05-05. Review status: criteria provided, single submitter. Criteria: Ambry Variant Classification Scheme 2023. Collection method: clinical testing. Allele origin: germline.

Labcorp Genetics (formerly Invitae), Labcorp
Classification: Uncertain significance for Neuroblastoma, susceptibility to, 3. Last evaluated: 2024-01-31. Review status: criteria provided, single submitter. Criteria: Invitae Variant Classification Sherloc (09022015). Collection method: clinical testing. Allele origin: germline.
Comment: This sequence change replaces methionine, which is neutral and non-polar, with isoleucine, which is neutral and non-polar, at codon 378 of the ALK protein (p.Met378Ile). This variant is present in population databases (no rsID available, gnomAD 0.008%). This variant has not been reported in the literature in individuals affected with ALK-related conditions. ClinVar contains an entry for this variant (Variation ID: 1393239). An algorithm developed to predict the effect of missense changes on protein structure and function (PolyPhen-2) suggests that this variant is likely to be tolerated. In summary, the available evidence is currently insufficient to determine the role of this variant in disease. Therefore, it has been classified as a Variant of Uncertain Significance.

Baylor Genetics
Classification: Uncertain significance for Neuroblastoma, susceptibility to, 3. Last evaluated: 2023-08-28. Review status: criteria provided, single submitter. Criteria: ACMG Guidelines, 2015. Collection method: clinical testing. Allele origin: unknown.

GeneDx
Classification: Uncertain significance. Last evaluated: 2023-07-26. Review status: criteria provided, single submitter. Criteria: GeneDx Variant Classification Process June 2021. Collection method: clinical testing. Allele origin: germline. Affected: yes.
Comment: Not observed at significant frequency in large population cohorts (gnomAD); In silico analysis supports that this missense variant does not alter protein structure/function; Has not been previously published as pathogenic or benign to our knowledge

NM_004304.5(ALK):c.1134G>A (p.Met378Ile)

Gene: ALK (ALK receptor tyrosine kinase; minus strand). Cytogenetic location: 2p23.2.
Variant type: single nucleotide variant.
Coding change: c.1134G>A on transcript NM_004304.5 (MANE Select); coding-DNA position 1134, G replaced by A.
Protein change: p.Met378Ile; replaces methionine 378 with isoleucine.
Molecular consequence: missense variant.
Genome position (GRCh38, 1-based): chr2:29,531,935, C>T on the plus strand (G>A on the coding strand, the complement: ALK is on the minus strand). VCF-style: chr2-29531935-C-T. GRCh37 (hg19) VCF-style: chr2-29754801-C-T.
Other names: c.1134G>A (NM_004304.4); short protein forms M378I.
Identifiers: ClinVar variation 1393239 (VCV001393239.9), dbSNP rs989538225, ClinGen allele CA44957085.
Genomic context (GRCh38, chr2:29,531,935, plus strand): 5'-CCTGGTATAAAATCAATTTTGGACATGGAGAAGTACTTACCCATGCTTCCCTGGAGTGGG[C>T]ATCAGGAGGATCTCTCTTGCAGCCTCGTTGTGGGGCAGCAGCTGGGCAATGTACCTTCCA-3'
Protein context (NP_004295.2, residues 368-388): HNEAAREILL[Met378Ile]PTPGKHGWTV